The following is an entry in ClinVar:

NM_001089.3(ABCA3):c.4574C>A (p.Thr1525Asn)

Gene: ABCA3 (ATP binding cassette subfamily A member 3; minus strand). Cytogenetic location: 16p13.3.
Variant type: single nucleotide variant.
Coding change: c.4574C>A on transcript NM_001089.3 (MANE Select); coding-DNA position 4574, C replaced by A.
Protein change: p.Thr1525Asn; replaces threonine 1525 with asparagine.
Molecular consequence: missense variant.
Genome position (GRCh38, 1-based): chr16:2,278,432, G>T on the plus strand (C>A on the coding strand, the complement: ABCA3 is on the minus strand). VCF-style: chr16-2278432-G-T. GRCh37 (hg19) VCF-style: chr16-2328433-G-T.
Other names: short protein forms T1525N.
Identifiers: ClinVar variation 4532509 (VCV004532509.1).

ClinVar aggregate classification (germline): Uncertain significance (1 of 4 stars; one submission).

Submission:

GeneDx
Classification: Uncertain significance. Last evaluated: 2025-05-28. Review status: criteria provided, single submitter. Criteria: GeneDx Variant Classification Process June 2021. Collection method: clinical testing. Allele origin: germline. Affected: yes.
Comment: Not observed at significant frequency in large population cohorts (gnomAD); In silico analysis supports that this missense variant has a deleterious effect on protein structure/function; Has not been previously published as pathogenic or benign to our knowledge